The following is an entry in ClinVar:

ClinVar aggregate classification (germline): Pathogenic. Review status: criteria provided, multiple submitters, no conflicts (2 of 4 stars). 4 submissions from 4 submitters: Pathogenic (4). Last evaluated 2026-02-27.

Conditions:
Cardiovascular phenotype. Identifiers: MedGen CN230736.
Cardiomyopathy (CMYO). Also called: Cardiomyopathies. Identifiers: Orphanet 167848, MedGen C0878544, MONDO:0004994, HP:0001638. Inheritance: Various modes of inheritance.
Arrhythmogenic right ventricular dysplasia 9 (ARVD9). Also called: ARRHYTHMOGENIC RIGHT VENTRICULAR DYSPLASIA, FAMILIAL, 9; Arrhythmogenic Right Ventricular Dysplasia/Cardiomyopathy 9. Identifiers: MedGen C1836906, MONDO:0012180, OMIM 609040.

Allele frequency attached by ClinVar (database versions not stated): TOPMed below 0.00001; gnomAD 0.00001; gnomAD exomes below 0.00001.

Submissions (4):

Ambry Genetics
Classification: Pathogenic for Cardiovascular phenotype. Last evaluated: 2026-02-27. Review status: criteria provided, single submitter. Criteria: Ambry Variant Classification Scheme 2023. Collection method: clinical testing. Allele origin: germline.
Comment: The c.1803delC pathogenic mutation, located in coding exon 8 of the PKP2 gene, results from a deletion of one nucleotide at nucleotide position 1803, causing a translational frameshift with a predicted alternate stop codon (p.D601Efs*55). This variant was reported in individual(s) with features consistent with arrhythmogenic right ventricular cardiomyopathy (Klauke B et al. Hum Mol Genet, 2010 Dec;19:4595-607; van Lint FHM et al. Circ Genom Precis Med, 2019 Aug;12:e002467). This variant is considered to be rare based on population cohorts in the Genome Aggregation Database (gnomAD). This alteration is expected to result in loss of function by premature protein truncation or nonsense-mediated mRNA decay. As such, this alteration is interpreted as a disease-causing mutation.

Color Diagnostics, LLC DBA Color Health
Classification: Pathogenic for Cardiomyopathy. Last evaluated: 2025-07-15. Review status: criteria provided, single submitter. Criteria: ACMG Guidelines, 2015. Collection method: clinical testing. Allele origin: germline.
Comment: This variant deletes 1 nucleotide in exon 8 of the PKP2 gene, creating a frameshift and premature translation stop signal. This variant is expected to result in an absent or non-functional protein product. This variant has been reported in individuals affected with arrhythmogenic right ventricular cardiomyopathy (PMID: 20829228, 23671136, 25820315, 26569459, 28588093). This variant has been identified in 1/31400 chromosomes in the general population by the Genome Aggregation Database (gnomAD). Loss of PKP2 function is a known mechanism of disease. Based on the available evidence, this variant is classified as Pathogenic.

Labcorp Genetics (formerly Invitae), Labcorp
Classification: Pathogenic for Arrhythmogenic right ventricular dysplasia 9. Last evaluated: 2023-12-31. Review status: criteria provided, single submitter. Criteria: Invitae Variant Classification Sherloc (09022015). Collection method: clinical testing. Allele origin: germline.
Comment: This sequence change creates a premature translational stop signal (p.Asp601Glufs*55) in the PKP2 gene. It is expected to result in an absent or disrupted protein product. Loss-of-function variants in PKP2 are known to be pathogenic (PMID: 15489853, 23911551). This variant is present in population databases (rs794729129, gnomAD 0.007%). This premature translational stop signal has been observed in individual(s) with arrhythmogenic right ventricular cardiomyopathy (PMID: 20829228). ClinVar contains an entry for this variant (Variation ID: 202021). For these reasons, this variant has been classified as Pathogenic.

GeneDx
Classification: Pathogenic. Last evaluated: 2014-05-30. Review status: criteria provided, single submitter. Criteria: GeneDx Variant Classification (06012015). Collection method: clinical testing. Allele origin: germline. Affected: yes.
Comment: p.Asp601GlufsX55 (D601EfsX55): c.1803delC in exon 8 of the PKP2 gene (NM_004572.3). The normal sequence with the base that is deleted in braces is: ATGA{C}AAGG. The c.1803delC mutation in the PKP2 gene has been reported previously in one individual diagnosed with ARVC who had a relative with autopsy-confirmed ARVC (Klauke B et al., 2010). This mutation causes a shift in reading frame starting at codon Aspartic acid 601, changing it to a Glutamic Acid, and creating a premature stop codon at position 55 of the new reading frame, denoted p.Asp601GlufsX55. This mutation is expected to result in either an abnormal, truncated protein product or loss of protein from this allele through nonsense-mediated mRNA decay. Other frameshift mutations in the PKP2 gene have been reported in association with ARVC. The variant is found in PKP2 panel(s).

Literature cited by the submitters: PubMed 20829228 (cited by 3 submitters); PubMed 31386562 (cited by Ambry Genetics); PubMed 23671136 (cited by Color Diagnostics, LLC DBA Color Health); PubMed 25820315 (cited by Color Diagnostics, LLC DBA Color Health); PubMed 26569459 (cited by Color Diagnostics, LLC DBA Color Health); PubMed 28588093 (cited by Color Diagnostics, LLC DBA Color Health); PubMed 15489853 (cited by Labcorp Genetics (formerly Invitae), Labcorp); PubMed 23911551 (cited by Labcorp Genetics (formerly Invitae), Labcorp).

NM_001005242.3(PKP2):c.1671del (p.Asp557fs)

Gene: PKP2 (plakophilin 2; minus strand). Cytogenetic location: 12p11.21.
Variant type: Deletion.
Coding change: c.1671del on transcript NM_001005242.3 (MANE Select); coding-DNA position 1671, one base deleted (C; older notation c.1671delC).
Protein change: p.Asp557fs; shifts the reading frame from aspartic acid 557.
Molecular consequence: frameshift variant.
Genome position (GRCh38, 1-based): chr12:32,824,048, G deleted on the plus strand (C on the coding strand, the reverse complement: PKP2 is on the minus strand). VCF-style (leftmost placement, unchanged base first): chr12-32824047-TG-T. GRCh37 (hg19) VCF-style: chr12-32976981-TG-T.
Other names: c.1803del, p.Asp601fs (NM_004572.4); c.1803delC (NM_004572.3); short protein forms D601fs, D557fs.
Identifiers: ClinVar variation 202021 (VCV000202021.12), dbSNP rs794729129, ClinGen allele CA011436.